The following is an entry in ClinVar:

NM_000214.3(JAG1):c.1439C>T (p.Ala480Val)

Gene: JAG1 (jagged canonical Notch ligand 1; minus strand). Cytogenetic location: 20p12.2.
Variant type: single nucleotide variant.
Coding change: c.1439C>T on transcript NM_000214.3 (MANE Select); coding-DNA position 1439, C replaced by T.
Protein change: p.Ala480Val; replaces alanine 480 with valine.
Molecular consequence: missense variant.
Genome position (GRCh38, 1-based): chr20:10,648,679, G>A on the plus strand (C>T on the coding strand, the complement: JAG1 is on the minus strand). VCF-style: chr20-10648679-G-A. GRCh37 (hg19) VCF-style: chr20-10629327-G-A.
Other names: c.1439C>T, p.Ala480Val (LRG_1191t1); short protein forms A480V.
Identifiers: ClinVar variation 337755 (VCV000337755.29), dbSNP rs149366993, ClinGen allele CA9764843.

ClinVar aggregate classification (germline): Benign/Likely benign. Review status: criteria provided, multiple submitters, no conflicts (2 of 4 stars). 7 submissions from 7 submitters: Benign (3); Likely benign (2). 2 of the submissions do not count toward it. Last evaluated 2026-01-23.

Conditions:
Isolated Nonsyndromic Congenital Heart Disease.
Alagille syndrome due to a JAG1 point mutation. Also called: HEPATIC DUCTULAR HYPOPLASIA, SYNDROMATIC; JAG1-Related Alagille Syndrome; Alagille Syndrome 1. Identifiers: Orphanet 261619, Orphanet 52, MedGen C1956125, MONDO:0016862, OMIM 118450.
Cardiovascular phenotype. Identifiers: MedGen CN230736.

Allele frequency attached by ClinVar (database versions not stated): TOPMed 0.00003; gnomAD 0.00004 and 0.00024; ESP Exome Variant Server 0.00008; gnomAD exomes 0.00062 and 0.00132; ExAC 0.00146; 1000 Genomes Project 30x 0.00203; 1000 Genomes Project 0.00220.
gnomAD v4.1: 932 of 1,614,202 alleles (0.058%); highest among the groups gnomAD compares: South Asian, 0.96%; 12 homozygotes.

Submissions (7):

Labcorp Genetics (formerly Invitae), Labcorp
Classification: Benign for Alagille syndrome due to a JAG1 point mutation. Last evaluated: 2026-01-23. Review status: criteria provided, single submitter. Criteria: Invitae Variant Classification Sherloc (09022015). Collection method: clinical testing. Allele origin: germline.

CeGaT Center for Human Genetics Tuebingen
Classification: Benign. Last evaluated: 2025-06-01. Review status: criteria provided, single submitter. Criteria: CeGaT Center For Human Genetics Tuebingen Variant Classification Criteria Version 2. Collection method: clinical testing. Allele origin: germline. Affected: yes. Observed: 1 variant allele.
Comment: JAG1: BS1, BS2

Ambry Genetics
Classification: Likely benign for Cardiovascular phenotype. Last evaluated: 2025-01-31. Review status: criteria provided, single submitter. Criteria: Ambry Variant Classification Scheme 2023. Collection method: clinical testing. Allele origin: germline.

Genomic Research Center, Shahid Beheshti University of Medical Sciences
Classification: Likely benign for Alagille syndrome 1. Last evaluated: 2020-05-03. Review status: criteria provided, single submitter. Criteria: ACMG Guidelines, 2015. Collection method: clinical testing. Allele origin: unknown. Affected: yes.

Illumina Laboratory Services, Illumina
Classification: Benign for Isolated Nonsyndromic Congenital Heart Disease. Last evaluated: 2018-01-12. Review status: criteria provided, single submitter. Criteria: ICSL Variant Classification Criteria 13 December 2019. Collection method: clinical testing. Allele origin: germline.
Comment: This variant was observed in the ICSL laboratory as part of a predisposition screen in an ostensibly healthy population. It had not been previously curated by ICSL or reported in the Human Gene Mutation Database (HGMD: prior to June 1st, 2018), and was therefore a candidate for classification through an automated scoring system. Utilizing variant allele frequency, disease prevalence and penetrance estimates, and inheritance mode, an automated score was calculated to assess if this variant is too frequent to cause the disease. Based on the score and internal cut-off values, a variant classified as benign is not then subjected to further curation. The score for this variant resulted in a classification of benign for this disease.

Clinical Genetics, Academic Medical Center
Classification: Benign. Review status: no assertion criteria provided. Collection method: clinical testing. Allele origin: germline. Affected: yes. Study: VKGL Data-share Consensus. Not counted in ClinVar's aggregate classification.

Genome Diagnostics Laboratory, University Medical Center Utrecht
Classification: Likely benign. Review status: no assertion criteria provided. Collection method: clinical testing. Allele origin: germline. Affected: yes. Study: VKGL Data-share Consensus. Not counted in ClinVar's aggregate classification.